The following is an entry in ClinVar:

NM_002769.5(PRSS1):c.137A>G (p.His46Arg)

Genes: TRB (T cell receptor beta locus; plus strand), PRSS1 (serine protease 1; plus strand). Cytogenetic location: 7q34.
Variant type: single nucleotide variant.
Coding change: c.137A>G on transcript NM_002769.5 (MANE Select); coding-DNA position 137, A replaced by G.
Protein change: p.His46Arg; replaces histidine 46 with arginine.
Molecular consequence: missense variant. On other transcripts: non-coding transcript variant (4).
Genome position (GRCh38, 1-based): chr7:142,750,651, A>G. VCF-style: chr7-142750651-A-G. GRCh37 (hg19) VCF-style: chr7-142458502-A-G.
Other names: short protein forms H46R.
Identifiers: ClinVar variation 2496908 (VCV002496908.3), dbSNP rs2485733514, ClinGen allele CA369607355.

ClinVar aggregate classification (germline): Uncertain significance (1 of 4 stars; one submission).

Conditions:
Hereditary pancreatitis (PCTT). Also called: Hereditary chronic pancreatitis; PRSS1-Related Hereditary Pancreatitis. Identifiers: Orphanet 676, MedGen C0238339, MONDO:0008185, OMIM 167800.

Allele frequency attached by ClinVar (database versions not stated): gnomAD exomes below 0.00001.

Submission:

Ambry Genetics
Classification: Uncertain significance for Hereditary pancreatitis. Last evaluated: 2024-12-08. Review status: criteria provided, single submitter. Criteria: Ambry Variant Classification Scheme 2023. Collection method: clinical testing. Allele origin: germline.
Comment: The p.H46R variant (also known as c.137A>G), located in coding exon 2 of the PRSS1 gene, results from an A to G substitution at nucleotide position 137. The histidine at codon 46 is replaced by arginine, an amino acid with highly similar properties. This amino acid position is conserved. In addition, this alteration is predicted to be deleterious by in silico analysis. Since supporting evidence is limited at this time, the clinical significance of this alteration remains unclear.